The following is an entry in ClinVar:

NM_012330.4(KAT6B):c.1819G>A (p.Gly607Arg)

Gene: KAT6B (lysine acetyltransferase 6B; plus strand). Cytogenetic location: 10q22.2.
Variant type: single nucleotide variant.
Coding change: c.1819G>A on transcript NM_012330.4 (MANE Select); coding-DNA position 1819, G replaced by A.
Protein change: p.Gly607Arg; replaces glycine 607 with arginine.
Molecular consequence: missense variant. On other transcripts: intron variant (13).
Genome position (GRCh38, 1-based): chr10:74,976,156, G>A. VCF-style: chr10-74976156-G-A. GRCh37 (hg19) VCF-style: chr10-76735914-G-A.
Other names: c.1819G>A, p.Gly607Arg (NM_001370136.1, NM_001370137.1); c.1117+702G>A (NM_001370139.1, NM_001370140.1, NM_001370141.1 and 3 more transcripts); c.1444+375G>A (NM_001370138.1, NM_001256468.2); c.846+6381G>A (NM_001370133.1); c.193-3068G>A (NM_001370134.1); c.929-1160G>A (NM_001370143.1, NM_001370144.1); c.193-12863G>A (NM_001370135.1); short protein forms G607R.
Identifiers: ClinVar variation 1304364 (VCV001304364.2), dbSNP rs2133730962, ClinGen allele CA377288542.

ClinVar aggregate classification (germline): Uncertain significance (1 of 4 stars; one submission).

Submission:

GeneDx
Classification: Uncertain significance. Last evaluated: 2020-04-20. Review status: criteria provided, single submitter. Criteria: GeneDx Variant Classification Process June 2021. Collection method: clinical testing. Allele origin: germline. Affected: yes.
Comment: Not observed in large population cohorts (Lek et al., 2016); In silico analysis supports that this missense variant does not alter protein structure/function; Has not been previously published as pathogenic or benign to our knowledge